The following is an entry in ClinVar:

NM_007317.3(KIF22):c.604C>T (p.Arg202Trp)

Gene: KIF22 (kinesin family member 22; plus strand). Cytogenetic location: 16p11.2.
Variant type: single nucleotide variant.
Coding change: c.604C>T on transcript NM_007317.3 (MANE Select); coding-DNA position 604, C replaced by T.
Protein change: p.Arg202Trp; replaces arginine 202 with tryptophan.
Molecular consequence: missense variant.
Genome position (GRCh38, 1-based): chr16:29,799,029, C>T. VCF-style: chr16-29799029-C-T. GRCh37 (hg19) VCF-style: chr16-29810350-C-T.
Other names: c.604C>T (NM_007317.1); c.400C>T, p.Arg134Trp (NM_001256269.2, NM_001256270.1); short protein forms R134W, R202W.
Identifiers: ClinVar variation 2894720 (VCV002894720.4), dbSNP rs763552072, ClinGen allele CA280385693.
Genomic context (GRCh38, chr16:29,799,029, plus strand): 5'-ACACAGGTATTAGACCTCCTGGACCCTGCTTCGGGAGACCTGGTAATCCGAGAAGACTGC[C>T]GGGGGAATATCCTGATTCCGGGTCTCTCCCAGAAGCCCATCAGTAGCTTTGCTGATTTTG-3'
Protein context (NP_015556.1, residues 192-212): SGDLVIREDC[Arg202Trp]GNILIPGLSQ

ClinVar aggregate classification (germline): Uncertain significance. Review status: criteria provided, multiple submitters, no conflicts (2 of 4 stars). 2 submissions from 2 submitters: Uncertain significance (2). Last evaluated 2024-11-09.

Allele frequency attached by ClinVar (database versions not stated): TOPMed 0.00002.

Submissions (2):

Ambry Genetics
Classification: Uncertain significance. Last evaluated: 2024-11-09. Review status: criteria provided, single submitter. Criteria: Ambry Variant Classification Scheme 2023. Collection method: clinical testing. Allele origin: germline.

Labcorp Genetics (formerly Invitae), Labcorp
Classification: Uncertain significance. Last evaluated: 2023-04-24. Review status: criteria provided, single submitter. Criteria: Invitae Variant Classification Sherloc (09022015). Collection method: clinical testing. Allele origin: germline.
Comment: In summary, the available evidence is currently insufficient to determine the role of this variant in disease. Therefore, it has been classified as a Variant of Uncertain Significance. Advanced modeling of protein sequence and biophysical properties (such as structural, functional, and spatial information, amino acid conservation, physicochemical variation, residue mobility, and thermodynamic stability) performed at Invitae indicates that this missense variant is not expected to disrupt KIF22 protein function. This variant has not been reported in the literature in individuals affected with KIF22-related conditions. This variant is not present in population databases (gnomAD no frequency). This sequence change replaces arginine, which is basic and polar, with tryptophan, which is neutral and slightly polar, at codon 202 of the KIF22 protein (p.Arg202Trp).